The following is an entry in ClinVar:

NM_130837.3(OPA1):c.262T>C (p.Phe88Leu)

Gene: OPA1 (OPA1 mitochondrial dynamin like GTPase; plus strand). Cytogenetic location: 3q29.
Variant type: single nucleotide variant.
Coding change: c.262T>C on transcript NM_130837.3 (MANE Select); coding-DNA position 262, T replaced by C.
Protein change: p.Phe88Leu; replaces phenylalanine 88 with leucine.
Molecular consequence: missense variant. On other transcripts: 5 prime UTR variant (2).
Genome position (GRCh38, 1-based): chr3:193,614,952, T>C. VCF-style: chr3-193614952-T-C. GRCh37 (hg19) VCF-style: chr3-193332741-T-C.
Other names: c.-111T>C (NM_001354663.2, NM_001354664.2); c.262T>C, p.Phe88Leu (NM_015560.3, NM_130831.3, NM_130832.3 and 4 more transcripts); short protein forms F88L.
Identifiers: ClinVar variation 4753125 (VCV004753125.2).

ClinVar aggregate classification (germline): Uncertain significance. Review status: criteria provided, multiple submitters, no conflicts (2 of 4 stars). 2 submissions from 2 submitters: Uncertain significance (2). Last evaluated 2025-02-20.

gnomAD v4.1: 7 of 1,614,162 alleles (0.00043%); highest among the groups gnomAD compares: African/African-American, 0.0093%; no homozygotes.

Submissions (2):

Labcorp Genetics (formerly Invitae), Labcorp
Classification: Uncertain significance. Last evaluated: 2025-02-20. Review status: criteria provided, single submitter. Criteria: Invitae Variant Classification Sherloc (09022015). Collection method: clinical testing. Allele origin: germline.
Comment: This sequence change replaces phenylalanine, which is neutral and non-polar, with leucine, which is neutral and non-polar, at codon 88 of the OPA1 protein (p.Phe88Leu). This variant is present in population databases (rs568567404, gnomAD 0.01%). This variant has not been reported in the literature in individuals affected with OPA1-related conditions. Invitae Evidence Modeling of protein sequence and biophysical properties (such as structural, functional, and spatial information, amino acid conservation, physicochemical variation, residue mobility, and thermodynamic stability) indicates that this missense variant is not expected to disrupt OPA1 protein function with a negative predictive value of 80%. In summary, the available evidence is currently insufficient to determine the role of this variant in disease. Therefore, it has been classified as a Variant of Uncertain Significance.

Blueprint Genetics
Classification: Uncertain significance. Last evaluated: 2020-09-29. Review status: criteria provided, single submitter. Criteria: ACMG Guidelines, 2015. Collection method: clinical testing. Allele origin: germline.